The following is an entry in ClinVar:

NM_014314.4(RIGI):c.1268C>G (p.Ala423Gly)

Gene: RIGI (RNA sensor RIG-I; minus strand). Cytogenetic location: 9p21.1.
Variant type: single nucleotide variant.
Coding change: c.1268C>G on transcript NM_014314.4 (MANE Select); coding-DNA position 1268, C replaced by G.
Protein change: p.Ala423Gly; replaces alanine 423 with glycine.
Molecular consequence: missense variant.
Genome position (GRCh38, 1-based): chr9:32,487,578, G>C on the plus strand (C>G on the coding strand, the complement: RIGI is on the minus strand). VCF-style: chr9-32487578-G-C. GRCh37 (hg19) VCF-style: chr9-32487576-G-C.
Other names: c.1262C>G, p.Ala421Gly (NM_001385907.1); c.1268C>G, p.Ala423Gly (NM_001385909.1); c.827C>G, p.Ala276Gly (NM_001385910.1); c.659C>G, p.Ala220Gly (NM_001385912.1); c.1253C>G, p.Ala418Gly (NM_001385913.1); c.824C>G, p.Ala275Gly (NM_001385914.1); short protein forms A421G, A220G, A418G, A423G, A275G, A276G.
Identifiers: ClinVar variation 2980602 (VCV002980602.3), dbSNP rs144962975, ClinGen allele CA5019876.

ClinVar aggregate classification (germline): Uncertain significance (1 of 4 stars; one submission).

Allele frequency attached by ClinVar (database versions not stated): gnomAD 0.00001; TOPMed 0.00001; ExAC 0.00002; 1000 Genomes Project 30x 0.00016; 1000 Genomes Project 0.00020.
gnomAD v4.1: 4 of 1,614,146 alleles (0.00025%); highest among the groups gnomAD compares: East Asian, 0.0089%; no homozygotes.

Submission:

Labcorp Genetics (formerly Invitae), Labcorp
Classification: Uncertain significance. Last evaluated: 2023-11-03. Review status: criteria provided, single submitter. Criteria: Invitae Variant Classification Sherloc (09022015). Collection method: clinical testing. Allele origin: germline.
Comment: This sequence change replaces alanine, which is neutral and non-polar, with glycine, which is neutral and non-polar, at codon 423 of the DDX58 protein (p.Ala423Gly). This variant is present in population databases (rs144962975, gnomAD 0.02%). This variant has not been reported in the literature in individuals affected with DDX58-related conditions. Advanced modeling of protein sequence and biophysical properties (such as structural, functional, and spatial information, amino acid conservation, physicochemical variation, residue mobility, and thermodynamic stability) performed at Invitae indicates that this missense variant is expected to disrupt DDX58 protein function with a positive predictive value of 80%. In summary, the available evidence is currently insufficient to determine the role of this variant in disease. Therefore, it has been classified as a Variant of Uncertain Significance.